The following is an entry in ClinVar:

ClinVar aggregate classification (germline): Conflicting classifications of pathogenicity. Review status: criteria provided, conflicting classifications (1 of 4 stars). 5 submissions from 5 submitters: Uncertain significance (4); Likely benign (1). Last evaluated 2025-10-28.

Conditions:
Hereditary cancer-predisposing syndrome. Also called: Hereditary Cancer Syndrome; Tumor predisposition; Neoplastic Syndromes, Hereditary; Hereditary neoplastic syndrome. Identifiers: Orphanet 140162, MedGen C0027672, MeSH D009386, MONDO:0015356.
Pheochromocytoma. Also called: MAX-Related Hereditary Paraganglioma-Pheochromocytoma Syndrome. Identifiers: Orphanet 29072, MedGen C0031511, MONDO:0008233, OMIM 171300, HP:0002666.
Pheochromocytoma/paraganglioma syndrome 4. Also called: PARAGANGLIOMA, FAMILIAL MALIGNANT; PARAGANGLIOMAS, HEREDITARY EXTRAADRENAL; PHEOCHROMOCYTOMA, FAMILIAL EXTRAADRENAL; SDHB-Related Hereditary Paraganglioma-Pheochromocytoma Syndrome (Paragangliomas 4); CAROTID BODY TUMORS AND MULTIPLE EXTRAADRENAL PHEOCHROMOCYTOMAS; SDHB-Related Hereditary Paraganglioma-Pheochromocytoma Syndrome. Identifiers: Orphanet 29072, MedGen C1861848, MONDO:0007273, OMIM 115310.
Gastrointestinal stromal tumor. Also called: Gastrointestinal stromal tumor, somatic; Gastrointestinal stroma tumor. Identifiers: Orphanet 44890, MedGen C0238198, MeSH D046152, MONDO:0011719, OMIM 606764, HP:0100723.
Hereditary pheochromocytoma and paraganglioma. Also called: Hereditary paragangliomas and pheochromocytomas; Hereditary Paraganglioma-Pheochromocytoma Syndromes; Hereditary pheochromocytoma-paraganglioma. Identifiers: Orphanet 29072, MedGen C4274332, MONDO:0017366.

Allele frequency attached by ClinVar (database versions not stated): ExAC 0.00001; gnomAD 0.00001 and 0.00002; gnomAD exomes 0.00001.
gnomAD v4.1: 18 of 1,613,572 alleles (0.0011%); highest among the groups gnomAD compares: African/African-American, 0.0027%; no homozygotes.

Submissions (5):

Labcorp Genetics (formerly Invitae), Labcorp
Classification: Likely benign for Gastrointestinal stromal tumor; Pheochromocytoma/paraganglioma syndrome 4; Pheochromocytoma. Last evaluated: 2025-10-28. Review status: criteria provided, single submitter. Criteria: Invitae Variant Classification Sherloc (09022015). Collection method: clinical testing. Allele origin: germline.

Color Diagnostics, LLC DBA Color Health
Classification: Uncertain significance for Hereditary pheochromocytoma and paraganglioma. Last evaluated: 2025-06-10. Review status: criteria provided, single submitter. Criteria: ACMG Guidelines, 2015. Collection method: clinical testing. Allele origin: germline.
Comment: This variant causes a C to T nucleotide substitution at the +4 position of intron 7 of the SDHB gene. Splice site prediction tools suggest that this variant may not impact RNA splicing. To our knowledge, functional studies have not been reported for this variant. This variant has not been reported in individuals affected with hereditary paranganglioma-pheochromocytoma syndrome in the literature. This variant has been identified in 2/31398 chromosomes in the general population by the Genome Aggregation Database (gnomAD). The available evidence is insufficient to determine the role of this variant in disease conclusively. Therefore, this variant is classified as a Variant of Uncertain Significance.

Quest Diagnostics Nichols Institute San Juan Capistrano
Classification: Uncertain significance. Last evaluated: 2025-01-20. Review status: criteria provided, single submitter. Criteria: Quest Diagnostics criteria. Collection method: clinical testing. Allele origin: unknown.

Ambry Genetics
Classification: Uncertain significance for Hereditary cancer-predisposing syndrome. Last evaluated: 2023-10-26. Review status: criteria provided, single submitter. Criteria: Ambry Variant Classification Scheme 2023. Collection method: clinical testing. Allele origin: germline.
Comment: The c.765+4C>T intronic variant results from a C to T substitution 4 nucleotides after coding exon 7 in the SDHB gene. This nucleotide position is poorly conserved in available vertebrate species. In silico splice site analysis predicts that this alteration will not have any significant effect on splicing. Since supporting evidence is limited at this time, the clinical significance of this alteration remains unclear.

All of Us Research Program, National Institutes of Health
Classification: Uncertain significance for Hereditary pheochromocytoma and paraganglioma. Last evaluated: 2023-08-28. Review status: criteria provided, single submitter. Criteria: ACMG Guidelines, 2015. Collection method: clinical testing. Allele origin: germline. Inheritance: Autosomal dominant inheritance. Observed: 1 variant allele, 1 heterozygote.
Comment: This variant causes a C to T nucleotide substitution at the +4 position of intron 7 of the SDHB gene. Splice site prediction tools suggest that this variant may not impact RNA splicing. To our knowledge, functional studies have not been reported for this variant. This variant has not been reported in individuals affected with hereditary paranganglioma-pheochromocytoma syndrome in the literature. This variant has been identified in 2/31398 chromosomes in the general population by the Genome Aggregation Database (gnomAD). The available evidence is insufficient to determine the role of this variant in disease conclusively. Therefore, this variant is classified as a Variant of Uncertain Significance.

This study involves interpretation of variants in research participants for the purpose of population health screening. Participant phenotype was not available at the time of variant classification. Additional details can be found in publication PMID: 35346344, PMCID: PMC8962531

NM_003000.3(SDHB):c.765+4C>T

Gene: SDHB (succinate dehydrogenase complex iron sulfur subunit B; minus strand). Cytogenetic location: 1p36.13.
Variant type: single nucleotide variant.
Coding change: c.765+4C>T on transcript NM_003000.3 (MANE Select); 4 bases into the intron after coding-DNA position 765, C replaced by T.
Molecular consequence: intron variant.
Genome position (GRCh38, 1-based): chr1:17,022,604, G>A on the plus strand (C>T on the coding strand, the complement: SDHB is on the minus strand). VCF-style: chr1-17022604-G-A. GRCh37 (hg19) VCF-style: chr1-17349099-G-A.
Identifiers: ClinVar variation 578523 (VCV000578523.16), dbSNP rs776039903, ClinGen allele CA089756.